The following is an entry in ClinVar:

NM_000038.6(APC):c.4479G>A (p.Thr1493=)

Gene: APC (APC regulator of Wnt signaling pathway; plus strand). Cytogenetic location: 5q22.2.
Variant type: single nucleotide variant.
Coding change: c.4479G>A on transcript NM_000038.6 (MANE Select); coding-DNA position 4479, G replaced by A.
Protein change: p.Thr1493=; no amino-acid change (threonine 1493 retained).
Molecular consequence: synonymous variant.
Genome position (GRCh38, 1-based): chr5:112,840,073, G>A. VCF-style: chr5-112840073-G-A. GRCh37 (hg19) VCF-style: chr5-112175770-G-A.
Other names: c.4479G>A, p.Thr1493= (NM_001127510.3, NM_001354895.2); c.4425G>A, p.Thr1475= (NM_001127511.3); c.4533G>A, p.Thr1511= (NM_001354896.2); c.4509G>A, p.Thr1503= (NM_001354897.2); c.4404G>A, p.Thr1468= (NM_001354898.2); c.4395G>A, p.Thr1465= (NM_001354899.2); c.4356G>A, p.Thr1452= (NM_001354900.2); c.4302G>A, p.Thr1434= (NM_001354901.2); and 5 more.
Identifiers: ClinVar variation 42242 (VCV000042242.60), dbSNP rs41115, ClinGen allele CA009580.

ClinVar aggregate classification (germline): Benign. Review status: criteria provided, multiple submitters, no conflicts (2 of 4 stars). 21 submissions from 21 submitters: Benign (13). 8 of the submissions do not count toward it. Last evaluated 2026-02-04.

Conditions:
Desmoid disease, hereditary (DESMD). Also called: FIBROMATOSIS, FAMILIAL INFILTRATIVE. Identifiers: Orphanet 873, MedGen C1851124, OMIM 135290. Disease mechanism: loss of function.
Colorectal cancer. Also called: Colorectal cancer, somatic; Malignant Colorectal Neoplasm. Identifiers: MedGen C0346629, MONDO:0005575, OMIM 114500.
Gastric cancer. Also called: Stomach cancer; Malignant tumor of stomach. Identifiers: MedGen C0024623, MeSH D013274, MONDO:0001056, OMIM 613659, HP:0012126.
Gastric adenocarcinoma and proximal polyposis of the stomach (GAPPS). Also called: Polyposis, gastric, Dos Santos and de Magalhaes 1980; POLYPOSIS, GASTRIC; Gastric Adenocarcinoma and Proximal Polyposis of the Stomach (GAPPS). Identifiers: Orphanet 314022, MedGen C4749917, MONDO:0017790, OMIM 619182.
Familial adenomatous polyposis 1 (FAP1). Also called: FAMILIAL ADENOMATOUS POLYPOSIS 1, ATTENUATED; POLYPOSIS, ADENOMATOUS INTESTINAL. Identifiers: MedGen C2713442, MONDO:0021056, OMIM 175100. Disease mechanism: loss of function.
Hepatocellular carcinoma (HCC). Also called: HEPATOMA; LIVER CELL CARCINOMA; Primary carcinoma of liver. Identifiers: Orphanet 88673, MedGen C2239176, MONDO:0007256, OMIM 114550, HP:0001402.
APC-Associated Polyposis Disorders.
Hereditary cancer-predisposing syndrome. Also called: Tumor predisposition; Neoplastic Syndromes, Hereditary; Hereditary neoplastic syndrome; Hereditary Cancer Syndrome. Identifiers: Orphanet 140162, MedGen C0027672, MeSH D009386, MONDO:0015356.
Familial colorectal cancer. Identifiers: MedGen CN280943, MONDO:0023113. Disease mechanism: loss of function.
Carcinoma of colon (CRC). Also called: Colonic carcinoma; Colon carcinoma. Identifiers: MedGen C0699790, MONDO:0002032.

Allele frequency attached by ClinVar (database versions not stated): ESP Exome Variant Server 0.58622; gnomAD 0.59177 and 0.60135; TOPMed 0.60979; gnomAD exomes 0.62725 and 0.64973; ExAC 0.64857; 1000 Genomes Project 30x 0.66052; 1000 Genomes Project 0.66554.
gnomAD v4.1: 1,008,600 of 1,613,660 alleles (63%); highest among the groups gnomAD compares: East Asian, 84%; 318,158 homozygotes.

Submissions (22):

Labcorp Genetics (formerly Invitae), Labcorp
Classification: Benign for Familial adenomatous polyposis 1. Last evaluated: 2026-02-04. Review status: criteria provided, single submitter. Criteria: Invitae Variant Classification Sherloc (09022015). Collection method: clinical testing. Allele origin: germline.

ARUP Laboratories, Molecular Genetics and Genomics, ARUP Laboratories
Classification: Benign. Last evaluated: 2025-07-30. Review status: criteria provided, single submitter. Criteria: ARUP Molecular Germline Variant Investigation Process 2024. Collection method: clinical testing. Allele origin: germline.

GeneKor MSA
Classification: Benign for Hereditary cancer-predisposing syndrome. Last evaluated: 2025-07-10. Review status: criteria provided, single submitter. Criteria: ACMG Guidelines, 2015. Collection method: clinical testing. Allele origin: germline.

Blueprint Genetics
Classification: Benign. Last evaluated: 2024-11-26. Review status: criteria provided, single submitter. Criteria: ACMG Guidelines, 2015. Collection method: clinical testing. Allele origin: germline.

KCCC/NGS Laboratory, Kuwait Cancer Control Center
Classification: Benign for Familial adenomatous polyposis 1. Last evaluated: 2023-07-07. Review status: criteria provided, single submitter. Criteria: ACMG Guidelines, 2015. Collection method: clinical testing. Allele origin: germline. Affected: yes.

Fulgent Genetics
Classification: Benign for Colorectal cancer; Hepatocellular carcinoma; Desmoid disease, hereditary; Familial adenomatous polyposis 1; Gastric cancer; Gastric adenocarcinoma and proximal polyposis of the stomach. Last evaluated: 2022-05-24. Review status: criteria provided, single submitter. Criteria: ACMG Guidelines, 2015. Collection method: clinical testing. Allele origin: unknown.

Laboratory for Molecular Medicine, Mass General Brigham Personalized Medicine
Classification: Benign. Last evaluated: 2020-07-27. Review status: criteria provided, single submitter. Criteria: LMM Criteria. Collection method: clinical testing. Allele origin: germline. Observed: 30 variant alleles.
Comment: The p.Thr1493Thr variant in APC is classified as benign because it has been identified in 82% (16364/19946) of East Asian chromosomes, including 6724 homozygotes, by gnomAD. ACMG/AMP Criteria applied: BA1.

Illumina Laboratory Services, Illumina
Classification: Benign for APC-Associated Polyposis Disorders. Last evaluated: 2018-01-12. Review status: criteria provided, single submitter. Criteria: ICSL Variant Classification Criteria 13 December 2019. Collection method: clinical testing. Allele origin: germline.
Comment: This variant was observed in the ICSL laboratory as part of a predisposition screen in an ostensibly healthy population. It had not been previously curated by ICSL or reported in the Human Gene Mutation Database (HGMD: prior to June 1st, 2018), and was therefore a candidate for classification through an automated scoring system. Utilizing variant allele frequency, disease prevalence and penetrance estimates, and inheritance mode, an automated score was calculated to assess if this variant is too frequent to cause the disease. Based on the score and internal cut-off values, a variant classified as benign is not then subjected to further curation. The score for this variant resulted in a classification of benign for this disease.

Color Diagnostics, LLC DBA Color Health
Classification: Benign for Hereditary cancer-predisposing syndrome. Last evaluated: 2016-03-18. Review status: criteria provided, single submitter. Criteria: ACMG Guidelines, 2015. Collection method: clinical testing. Allele origin: germline.

Eurofins Ntd Llc (ga)
Classification: Benign. Last evaluated: 2016-03-16. Review status: criteria provided, single submitter. Criteria: EGL Classification Definitions 2015. Collection method: clinical testing. Allele origin: germline. Observed: 71 variant alleles, 41 heterozygotes, 30 homozygotes.

GeneDx
Classification: Benign. Last evaluated: 2015-03-03. Review status: criteria provided, single submitter. Criteria: GeneDx Variant Classification Process June 2021. Collection method: clinical testing. Allele origin: germline. Affected: yes.

Ambry Genetics
Classification: Benign for Hereditary cancer-predisposing syndrome. Last evaluated: 2014-10-31. Review status: criteria provided, single submitter. Criteria: Ambry Variant Classification Scheme 2023. Collection method: clinical testing. Allele origin: germline.

PreventionGenetics, part of Exact Sciences
Classification: Benign. Review status: criteria provided, single submitter. Criteria: ACMG Guidelines, 2015. Collection method: clinical testing. Allele origin: germline.

Institute for Biomarker Research, Medical Diagnostic Laboratories, L.L.C.
Classification: Benign for Hereditary cancer-predisposing syndrome. Last evaluated: 2021-12-21. Review status: no assertion criteria provided. Collection method: clinical testing. Allele origin: germline. Not counted in ClinVar's aggregate classification.

Clinical Genetics DNA and cytogenetics Diagnostics Lab, Erasmus MC, Erasmus Medical Center
Classification: Benign. Review status: no assertion criteria provided. Collection method: clinical testing. Allele origin: germline. Affected: yes. Study: VKGL Data-share Consensus. Not counted in ClinVar's aggregate classification.

Clinical Genetics, Academic Medical Center
Classification: Benign. Review status: no assertion criteria provided. Collection method: clinical testing. Allele origin: germline. Affected: yes. Study: VKGL Data-share Consensus. Not counted in ClinVar's aggregate classification.

Department of Pathology and Laboratory Medicine, Sinai Health System
Classification: Benign for Carcinoma of colon. Review status: no assertion criteria provided. Collection method: clinical testing. Allele origin: unknown. Affected: yes. Study: The Canadian Open Genetics Repository (COGR). Not counted in ClinVar's aggregate classification.
Comment: The c.4479G>A, p.Thr1493Thr variant is not expected to have clinical significance because it does not alter an amino acid residue, is not located near a splice junction, and is listed in dbSNP (rs_id: rs41115) as a common polymorphism with a global minor allele frequency of 0.338. It has not been previously identified by our laboratory, but has been reported in the literature in 72/2142 (frequency of 0.033) proband chromosomes from individuals with familiar adenamatous polyposis, colorectal carcinoma, papillary thyroid carcinoma and sporadic ependymoma. It has also been identified in 54/2322 (frequency of 0.023) control chromosomes, increasing the likelihood that the variant has no clinical significance (Rocco_2006, Azzopardi_2008_18199528, Chao_2006_16569251, Curia_2012_21995949, Jasperson_2010_20420945, Kamory_2008_18369740, Onilude_2006_16843107, Schwab_2008_18026870, Subramaniam_2007_18024325, Teijeiro_2009_19095577). In summary, based on the above information, this variant is classified as benign.

Diagnostic Laboratory, Department of Genetics, University Medical Center Groningen
Classification: Benign. Review status: no assertion criteria provided. Collection method: clinical testing. Allele origin: germline. Affected: yes. Study: VKGL Data-share Consensus. Not counted in ClinVar's aggregate classification.

Dr. Peter K. Rogan Lab, Western University
No classification provided (evidence only). Condition: Germ cell tumor of testis. Review status: no classification provided. Collection method: in vitro. Allele origin: not applicable. Functional consequence: retained intron. Not counted in ClinVar's aggregate classification.

Joint Genome Diagnostic Labs from Nijmegen and Maastricht, Radboudumc and MUMC+
Classification: Benign. Review status: no assertion criteria provided. Collection method: clinical testing. Allele origin: germline. Affected: yes. Study: VKGL Data-share Consensus. Not counted in ClinVar's aggregate classification.

Mayo Clinic Laboratories, Mayo Clinic
Classification: Benign. Review status: no assertion criteria provided. Collection method: research. Allele origin: unknown. Observed: 17 variant alleles, 7 homozygotes. Not counted in ClinVar's aggregate classification.

Systems Biology Platform Zhejiang California International NanoSystems Institute
Classification: other for Familial colorectal cancer. Review status: no assertion criteria provided. Collection method: not provided. Allele origin: unknown. Not counted in ClinVar's aggregate classification.
ClinVar note: Converted during submission from cancer to other.